The following is an entry in ClinVar:

NM_021076.4(NEFH):c.2891A>T (p.Lys964Met)

Gene: NEFH (neurofilament heavy chain; plus strand). Cytogenetic location: 22q12.2.
Variant type: single nucleotide variant.
Coding change: c.2891A>T on transcript NM_021076.4 (MANE Select); coding-DNA position 2891, A replaced by T.
Protein change: p.Lys964Met; replaces lysine 964 with methionine.
Molecular consequence: missense variant.
Genome position (GRCh38, 1-based): chr22:29,490,531, A>T. VCF-style: chr22-29490531-A-T. GRCh37 (hg19) VCF-style: chr22-29886520-A-T.
Other names: c.2891A>T (NM_021076.3); short protein forms K964M.
Identifiers: ClinVar variation 1439890 (VCV001439890.8), dbSNP rs1193204827, ClinGen allele CA411139021.

ClinVar aggregate classification (germline): Uncertain significance. Review status: criteria provided, multiple submitters, no conflicts (2 of 4 stars). 2 submissions from 2 submitters: Uncertain significance (2). Last evaluated 2022-10-18.

Conditions:
Charcot-Marie-Tooth disease axonal type 2CC. Also called: CHARCOT-MARIE-TOOTH NEUROPATHY, TYPE 2CC. Identifiers: MedGen C4310790, MONDO:0014836, OMIM 616924.

Allele frequency attached by ClinVar (database versions not stated): gnomAD exomes 0.00001.
gnomAD v4.1: 3 of 1,604,052 alleles (0.00019%); highest among the groups gnomAD compares: Admixed American, 0.0052%; no homozygotes.

Submissions (2):

Labcorp Genetics (formerly Invitae), Labcorp
Classification: Uncertain significance. Last evaluated: 2022-10-18. Review status: criteria provided, single submitter. Criteria: Invitae Variant Classification Sherloc (09022015). Collection method: clinical testing. Allele origin: germline.
Comment: This sequence change replaces lysine, which is basic and polar, with methionine, which is neutral and non-polar, at codon 964 of the NEFH protein (p.Lys964Met). In summary, the available evidence is currently insufficient to determine the role of this variant in disease. Therefore, it has been classified as a Variant of Uncertain Significance. Advanced modeling of protein sequence and biophysical properties (such as structural, functional, and spatial information, amino acid conservation, physicochemical variation, residue mobility, and thermodynamic stability) performed at Invitae indicates that this missense variant is not expected to disrupt NEFH protein function. ClinVar contains an entry for this variant (Variation ID: 1439890). This variant has not been reported in the literature in individuals affected with NEFH-related conditions. This variant is present in population databases (no rsID available, gnomAD 0.006%).

Revvity Omics, Revvity
Classification: Uncertain significance for Charcot-Marie-Tooth disease axonal type 2CC. Last evaluated: 2019-02-04. Review status: criteria provided, single submitter. Criteria: ACMG Guidelines, 2015. Collection method: clinical testing. Allele origin: germline.